The following is an entry in ClinVar:

ClinVar aggregate classification (germline): Pathogenic. Review status: criteria provided, single submitter (1 of 4 stars). 2 submissions from 2 submitters: Pathogenic (1). 1 of the submissions does not count toward it. Last evaluated 2021-10-18.

Conditions:
Shwachman-Diamond syndrome 1 (SDS1). Also called: LIPOMATOSIS OF PANCREAS, CONGENITAL. Identifiers: MedGen C4692625, MONDO:0044204, OMIM 260400.
Inborn genetic diseases. Identifiers: MedGen C0950123, MeSH D030342.

Allele frequency attached by ClinVar (database versions not stated): TOPMed below 0.00001; gnomAD exomes 0.00001.
gnomAD v4.1: 3 of 1,606,512 alleles (0.00019%); highest among the groups gnomAD compares: Non-Finnish European, 0.00026%; no homozygotes.

Submissions (2):

Ambry Genetics
Classification: Pathogenic for Inborn genetic diseases. Last evaluated: 2021-10-18. Review status: criteria provided, single submitter. Criteria: Ambry Variant Classification Scheme 2023. Collection method: clinical testing. Allele origin: germline.
Comment: The c.460-1G>A intronic pathogenic mutation results from a G to A substitution one nucleotide upstream from coding exon 4 of the SBDS gene. Alterations that disrupt the canonical splice site are expected to cause aberrant splicing. In silico splice site analysis predicts that this alteration will weaken the native splice acceptor site and will result in the creation or strengthening of a novel splice acceptor site. The resulting transcript is predicted to be in-frame and is not expected to trigger nonsense-mediated mRNA decay; however, direct evidence is unavailable. The exact functional effect of the altered amino acid sequence is unknown; however, a significant portion of the protein is affected (Ambry internal data). This variant was detected as compound heterozygous with another pathogenic mutation, SBDS c.258+2T>C, in multiple individuals diagnosed with Schwachman-Diamond syndrome (Austin KM et al. Blood, 2005 Aug;106:1253-8; Delaporta P et al. Pediatr Blood Cancer, 2017 Nov;64:; Ylmaz Karapnar D et al. Pediatr Blood Cancer, 2019 10;66:e27923). This variant is considered to be rare based on population cohorts in the Genome Aggregation Database (gnomAD). Based on the supporting evidence, this alteration is interpreted as a disease-causing mutation.

Laboratory of Medical Genetics, National & Kapodistrian University of Athens
Classification: Pathogenic for Shwachman-Diamond syndrome 1. Last evaluated: 2020-02-19. Review status: no assertion criteria provided. Collection method: clinical testing. Allele origin: inherited. Affected: yes. Not counted in ClinVar's aggregate classification.

Literature cited by the submitters: PubMed 15860664 (cited by Ambry Genetics); PubMed 28509441 (cited by Ambry Genetics and Laboratory of Medical Genetics, National & Kapodistrian University of Athens); PubMed 31321910 (cited by Ambry Genetics).

NM_016038.4(SBDS):c.460-1G>A

Gene: SBDS (SBDS ribosome maturation factor; minus strand). Cytogenetic location: 7q11.21.
Variant type: single nucleotide variant.
Coding change: c.460-1G>A on transcript NM_016038.4 (MANE Select); the canonical splice acceptor site of the intron before coding-DNA position 460, G replaced by A.
Molecular consequence: splice acceptor variant.
Genome position (GRCh38, 1-based): chr7:66,991,302, C>T on the plus strand (G>A on the coding strand, the complement: SBDS is on the minus strand). VCF-style: chr7-66991302-C-T. GRCh37 (hg19) VCF-style: chr7-66456289-C-T.
Other names: c.460-1G>A (NM_016038.2).
Identifiers: ClinVar variation 929404 (VCV000929404.3), dbSNP rs1792969582, ClinGen allele CA367647320.